The following is an entry in ClinVar:

NM_000179.3(MSH6):c.2341C>A (p.Pro781Thr)

Gene: MSH6 (mutS homolog 6; plus strand). Cytogenetic location: 2p16.3.
Variant type: single nucleotide variant.
Coding change: c.2341C>A on transcript NM_000179.3 (MANE Select); coding-DNA position 2341, C replaced by A.
Protein change: p.Pro781Thr; replaces proline 781 with threonine.
Molecular consequence: missense variant.
Genome position (GRCh38, 1-based): chr2:47,800,324, C>A. VCF-style: chr2-47800324-C-A. GRCh37 (hg19) VCF-style: chr2-48027463-C-A.
Other names: p.P781T:CCA>ACA; c.1951C>A, p.Pro651Thr (NM_001281492.2); c.1435C>A, p.Pro479Thr (NM_001281493.2, NM_001281494.2); short protein forms P781T, P651T, P479T.
Identifiers: ClinVar variation 182635 (VCV000182635.15), dbSNP rs587779235, ClinGen allele CA010074.
Genomic context (GRCh38, chr2:47,800,324, plus strand): 5'-AGGGTTGATACTTGCCATACTCCTTTTGGTAAGCGGCTCCTAAAGCAATGGCTTTGTGCC[C>A]CACTCTGTAACCATTATGCTATTAATGATCGTCTAGATGCCATAGAAGACCTCATGGTTG-3'
Protein context (NP_000170.1, residues 771-791): KRLLKQWLCA[Pro781Thr]LCNHYAINDR

ClinVar aggregate classification (germline): Conflicting classifications of pathogenicity. Review status: criteria provided, conflicting classifications (1 of 4 stars). 5 submissions from 5 submitters: Likely pathogenic (3); Uncertain significance (2). Last evaluated 2025-11-05.

Conditions:
Hereditary cancer-predisposing syndrome. Also called: Tumor predisposition; Hereditary Cancer Syndrome; Hereditary neoplastic syndrome; Neoplastic Syndromes, Hereditary. Identifiers: Orphanet 140162, MedGen C0027672, MeSH D009386, MONDO:0015356.
Hereditary nonpolyposis colorectal neoplasms. Identifiers: MedGen C0009405, MeSH D003123.
Lynch syndrome 5 (LYNCH5). Also called: Colorectal cancer, hereditary nonpolyposis, type 5; Hereditary non-polyposis colorectal cancer, type 5. Identifiers: Orphanet 144, MedGen C1833477, MONDO:0013710, OMIM 614350. Disease mechanism: loss of function.

Submissions (5):

Labcorp Genetics (formerly Invitae), Labcorp
Classification: Likely pathogenic for Hereditary nonpolyposis colorectal neoplasms. Last evaluated: 2025-11-05. Review status: criteria provided, single submitter. Criteria: Invitae Variant Classification Sherloc (09022015). Collection method: clinical testing. Allele origin: germline.
Comment: This sequence change replaces proline, which is neutral and non-polar, with threonine, which is neutral and polar, at codon 781 of the MSH6 protein (p.Pro781Thr). This variant is not present in population databases (gnomAD no frequency). This variant has not been reported in the literature in individuals affected with MSH6-related conditions. ClinVar contains an entry for this variant (Variation ID: 182635). Invitae Evidence Modeling of protein sequence and biophysical properties (such as structural, functional, and spatial information, amino acid conservation, physicochemical variation, residue mobility, and thermodynamic stability) indicates that this missense variant is expected to disrupt MSH6 protein function with a positive predictive value of 95%. This variant disrupts the p.Pro781 amino acid residue in MSH6. Other variant(s) that disrupt this residue have been determined to be pathogenic (PMID: 27273229; internal data). This suggests that this residue is clinically significant, and that variants that disrupt this residue are likely to be disease-causing. In summary, the currently available evidence indicates that the variant is pathogenic, but additional data are needed to prove that conclusively. Therefore, this variant has been classified as Likely Pathogenic.

Ambry Genetics
Classification: Likely pathogenic for Hereditary cancer-predisposing syndrome. Last evaluated: 2025-07-09. Review status: criteria provided, single submitter. Criteria: Ambry Variant Classification Scheme 2023. Collection method: clinical testing. Allele origin: germline.
Comment: The p.P781T variant (also known as c.2341C>A), located in coding exon 4 of the MSH6 gene, results from a C to A substitution at nucleotide position 2341. The proline at codon 781 is replaced by threonine, an amino acid with highly similar properties. Another variant at the same codon, p.P781L (c.2342C>T), has been detected in probands whose tumors showed high microsatellite instability and/or loss of MSH6 expression by IHC and one had a family history that met Amsterdam II criteria (Tsai GJ et al. Genet Med, 2019 Jun;21:1435-1442; Ambry internal data). Based on internal structural analysis, P781T is moderately destabilizing to the local structure and is deleterious (Ambry internal data). This amino acid position is highly conserved in available vertebrate species. In addition, this alteration is predicted to be deleterious by in silico analysis. This variant is considered to be rare based on population cohorts in the Genome Aggregation Database (gnomAD). Based on the majority of available evidence to date, this variant is likely to be pathogenic.

Quest Diagnostics Nichols Institute San Juan Capistrano
Classification: Likely pathogenic. Last evaluated: 2025-07-09. Review status: criteria provided, single submitter. Criteria: Quest Diagnostics criteria. Collection method: clinical testing. Allele origin: unknown.
Comment: The MSH6 c.2341C>A (p.Pro781Thr) variant has been seen in individuals affected with a Lynch syndrome-associated cancer (Ambry Genetics, personal communication regarding ClinVar ID: 182635). Multiple missense variants at this codon, including at least one considered to be pathogenic or likely pathogenic, have been reported in individuals with Lynch syndrome-associated cancer (PMID: 30374176 (2019), 27273229 (2017), 29752822 (2019), ClinVar ID: 433914, 1789871). This variant has not been reported in large, multi-ethnic general populations (Genome Aggregation Database). Analysis of this variant using bioinformatics tools for the prediction of the effect of amino acid changes on protein structure and function yielded predictions that this variant is damaging. Based on the available information, this variant is classified as likely pathogenic.

GeneDx
Classification: Uncertain significance. Last evaluated: 2017-03-10. Review status: criteria provided, single submitter. Criteria: GeneDx Variant Classification (06012015). Collection method: clinical testing. Allele origin: germline. Affected: yes.
Comment: This variant is denoted MSH6 c.2341C>A at the cDNA level, p.Pro781Thr (P781T) at the protein level, and results in the change of a Proline to a Threonine (CCA>ACA) in exon 4. This variant has not, to our knowledge, been published in the literature as either a mutation or a benign polymorphism. MSH6 Pro781Thr was not observed in approximately 6,500 individuals of European and African American ancestry in the NHLBI Exome Sequencing Project, indicating it is not a common benign variant in these populations. Since Proline and Threonine differ in polarity, charge, size or other properties, this is considered a non-conservative amino acid substitution and is likely to affect protein integrity. MSH6 Pro781Thr alters a position that is highly conserved across species and is located in the Domain III of the MutS domain (Terui 2013). In silico analyses predict that this variant is probably damaging to protein structure and function. Based on currently available information, it is unclear whether MSH6 Pro781Thr is a pathogenic mutation or a benign variant. The variant is found in ENDOM-HEREDIC panel(s).

Center for Human Genetics, Inc
Classification: Uncertain significance for Lynch syndrome 5. Last evaluated: 2016-11-01. Review status: criteria provided, single submitter. Criteria: ACMG Guidelines, 2015. Collection method: clinical testing. Allele origin: germline. Affected: yes.

Literature cited by the submitters: PubMed 27273229 (cited by Labcorp Genetics (formerly Invitae), Labcorp).